The following is an entry in ClinVar:

NM_006904.7(PRKDC):c.1115C>T (p.Pro372Leu)

Gene: PRKDC (protein kinase, DNA-activated, catalytic subunit; minus strand). Cytogenetic location: 8q11.21.
Variant type: single nucleotide variant.
Coding change: c.1115C>T on transcript NM_006904.7 (MANE Select); coding-DNA position 1115, C replaced by T.
Protein change: p.Pro372Leu; replaces proline 372 with leucine.
Molecular consequence: missense variant.
Genome position (GRCh38, 1-based): chr8:47,936,516, G>A on the plus strand (C>T on the coding strand, the complement: PRKDC is on the minus strand). VCF-style: chr8-47936516-G-A. GRCh37 (hg19) VCF-style: chr8-48849076-G-A.
Other names: c.1115C>T, p.Pro372Leu (NM_001081640.2); short protein forms P372L.
Identifiers: ClinVar variation 666079 (VCV000666079.6), dbSNP rs778630373, ClinGen allele CA4741806.

ClinVar aggregate classification (germline): Uncertain significance (1 of 4 stars; one submission).

Conditions:
Severe combined immunodeficiency due to DNA-PKcs deficiency. Also called: IMMUNODEFICIENCY 26 WITH NEUROLOGIC ABNORMALITIES; Immunodeficiency 26 with or without neurologic abnormalities. Identifiers: Orphanet 317425, MedGen C4014833, MONDO:0014423, OMIM 615966.

Allele frequency attached by ClinVar (database versions not stated): gnomAD exomes 0.00001 and 0.00002; TOPMed 0.00002; ExAC 0.00004.
gnomAD v4.1: 21 of 1,613,392 alleles (0.0013%); highest among the groups gnomAD compares: Non-Finnish European, 0.0017%; no homozygotes.

Submission:

Labcorp Genetics (formerly Invitae), Labcorp
Classification: Uncertain significance for Severe combined immunodeficiency due to DNA-PKcs deficiency. Last evaluated: 2022-04-15. Review status: criteria provided, single submitter. Criteria: Invitae Variant Classification Sherloc (09022015). Collection method: clinical testing. Allele origin: germline.
Comment: This sequence change replaces proline, which is neutral and non-polar, with leucine, which is neutral and non-polar, at codon 372 of the PRKDC protein (p.Pro372Leu). This variant is present in population databases (rs778630373, gnomAD 0.005%). This variant has not been reported in the literature in individuals affected with PRKDC-related conditions. ClinVar contains an entry for this variant (Variation ID: 666079). Experimental studies and prediction algorithms are not available or were not evaluated, and the functional significance of this variant is currently unknown. In summary, the available evidence is currently insufficient to determine the role of this variant in disease. Therefore, it has been classified as a Variant of Uncertain Significance.